The following is an entry in ClinVar:

NM_031844.3(HNRNPU):c.503C>T (p.Thr168Met)

Gene: HNRNPU (heterogeneous nuclear ribonucleoprotein U; minus strand). Cytogenetic location: 1q44.
Variant type: single nucleotide variant.
Coding change: c.503C>T on transcript NM_031844.3 (MANE Select); coding-DNA position 503, C replaced by T.
Protein change: p.Thr168Met; replaces threonine 168 with methionine.
Molecular consequence: missense variant.
Genome position (GRCh38, 1-based): chr1:244,863,805, G>A on the plus strand (C>T on the coding strand, the complement: HNRNPU is on the minus strand). VCF-style: chr1-244863805-G-A. GRCh37 (hg19) VCF-style: chr1-245027107-G-A.
Other names: c.503C>T, p.Thr168Met (NM_004501.3); short protein forms T168M.
Identifiers: ClinVar variation 2024960 (VCV002024960.5), dbSNP rs2527894804, ClinGen allele CA345496805.
Genomic context (GRCh38, chr1:244,863,805, plus strand): 5'-CTGCTCTTCCCCGCGGCCTCCTTGGCGGCCCCGCGCTGCTGTTGGGGCTGTTGCTGCTGC[G>A]TCGCCGGCGGTTGAGGCTGCTGCTCCCCGTGCCCGTTCTCGTCGCCCGCGCCTTCCTCTT-3'
Protein context (NP_114032.2, residues 158-178): HGEQQPQPPA[Thr168Met]QQQQPQQQRG

ClinVar aggregate classification (germline): Uncertain significance. Review status: criteria provided, multiple submitters, no conflicts (2 of 4 stars). 2 submissions from 2 submitters: Uncertain significance (2). Last evaluated 2022-10-03.

Conditions:
Developmental and epileptic encephalopathy, 54. Also called: HNRNPU-Related Neurodevelopmental Disorder; Epileptic encephalopathy, early infantile, 54. Identifiers: MedGen C4479319, MONDO:0033363, OMIM 617391.
Inborn genetic diseases. Identifiers: MedGen C0950123, MeSH D030342.

Submissions (2):

Ambry Genetics
Classification: Uncertain significance for Inborn genetic diseases. Last evaluated: 2022-10-03. Review status: criteria provided, single submitter. Criteria: Ambry Variant Classification Scheme 2023. Collection method: clinical testing. Allele origin: germline.

Labcorp Genetics (formerly Invitae), Labcorp
Classification: Uncertain significance for Developmental and epileptic encephalopathy, 54. Last evaluated: 2022-08-19. Review status: criteria provided, single submitter. Criteria: Invitae Variant Classification Sherloc (09022015). Collection method: clinical testing. Allele origin: germline.
Comment: This sequence change replaces threonine, which is neutral and polar, with methionine, which is neutral and non-polar, at codon 168 of the HNRNPU protein (p.Thr168Met). This variant is not present in population databases (gnomAD no frequency). This variant has not been reported in the literature in individuals affected with HNRNPU-related conditions. Algorithms developed to predict the effect of missense changes on protein structure and function are either unavailable or do not agree on the potential impact of this missense change (SIFT: "Deleterious"; PolyPhen-2: "Benign"; Align-GVGD: "Class C0"). In summary, the available evidence is currently insufficient to determine the role of this variant in disease. Therefore, it has been classified as a Variant of Uncertain Significance.